The following is an entry in ClinVar:

ClinVar aggregate classification (germline): Conflicting classifications of pathogenicity. Review status: criteria provided, conflicting classifications (1 of 4 stars). 9 submissions from 9 submitters: Uncertain significance (3); Benign (2); Likely benign (3). 1 of the submissions does not count toward it. Last evaluated 2026-01-25.

Conditions:
TSC2-related disorder. Also called: TSC2-related condition; TSC2-Related Disorders.
Hereditary cancer-predisposing syndrome. Also called: Hereditary neoplastic syndrome; Tumor predisposition; Hereditary Cancer Syndrome; Neoplastic Syndromes, Hereditary. Identifiers: Orphanet 140162, MedGen C0027672, MeSH D009386, MONDO:0015356.
Tuberous sclerosis syndrome (TSC). Also called: Tuberous sclerosis; Tuberous Sclerosis Complex. Identifiers: Orphanet 805, MedGen C0041341, MONDO:0001734.
Tuberous sclerosis 2 (TSC2). Identifiers: Orphanet 805, MedGen C1860707, MONDO:0013199, OMIM 613254.

Allele frequency attached by ClinVar (database versions not stated): ExAC 0.00002; gnomAD exomes 0.00002; gnomAD 0.00006 and 0.00007; TOPMed 0.00006; 1000 Genomes Project 30x 0.00016; 1000 Genomes Project 0.00020.
gnomAD v4.1: 39 of 1,611,386 alleles (0.0024%); highest among the groups gnomAD compares: African/African-American, 0.017%; no homozygotes.

Submissions (9):

Labcorp Genetics (formerly Invitae), Labcorp
Classification: Benign for Tuberous sclerosis 2. Last evaluated: 2026-01-25. Review status: criteria provided, single submitter. Criteria: Invitae Variant Classification Sherloc (09022015). Collection method: clinical testing. Allele origin: germline.

Quest Diagnostics Nichols Institute San Juan Capistrano
Classification: Uncertain significance. Last evaluated: 2025-06-20. Review status: criteria provided, single submitter. Criteria: Quest Diagnostics criteria. Collection method: clinical testing. Allele origin: unknown.

PreventionGenetics, part of Exact Sciences
Classification: Uncertain significance for TSC2-related condition. Last evaluated: 2024-11-15. Review status: criteria provided, single submitter. Criteria: ACMG Guidelines, 2015. Collection method: clinical testing. Allele origin: germline.
Comment: The TSC2 c.5368G>A variant is predicted to result in the amino acid substitution p.Val1790Met. This variant was reported in a large screen of cancer-susceptibility genes of individuals with atherosclerosis phenotypes, but not personal or family histories of cancer (Supplemental Data, Johnston et al. 2012. PubMed ID: 22703879). This variant is reported in 0.020% of alleles in individuals of African descent in gnomAD, which is likely too common to be a primary cause of disease. In ClinVar, this variant has conflicting interpretations ranging from benign to uncertain. Although we suspect that this variant may be benign, at this time, the clinical significance of this variant is uncertain due to the absence of conclusive functional and genetic evidence.

Color Diagnostics, LLC DBA Color Health
Classification: Likely benign for Tuberous sclerosis syndrome. Last evaluated: 2022-12-15. Review status: criteria provided, single submitter. Criteria: ACMG Guidelines, 2015. Collection method: clinical testing. Allele origin: germline.

Sema4
Classification: Uncertain significance for Hereditary cancer-predisposing syndrome. Last evaluated: 2021-11-12. Review status: criteria provided, single submitter. Criteria: Sema4 Curation Guidelines. Collection method: curation. Allele origin: germline.
Comment: To the best of our knowledge, the TSC2 c.5368G>A (p.V1790M) variant has not been reported in individuals with TSC2-related disease. It was observed in 5/24756 chromosomes of the African/African American subpopulation in the large and broad cohorts of the Genome Aggregation Database (PMID: 32461654). The variant has been reported in ClinVar (Variation ID: 41747). Functional studies have not been performed, and in silico predictions of the variant's effect on protein function are inconclusive. The evidence is insufficient to meet ACMG/AMP criteria for classifying the variant as benign or pathogenic. Thus, the clinical significance of this variant is currently uncertain.

Genome-Nilou Lab
Classification: Benign for Tuberous sclerosis 2. Last evaluated: 2021-11-07. Review status: criteria provided, single submitter. Criteria: ACMG Guidelines, 2015. Collection method: clinical testing. Allele origin: germline. Affected: no.

GeneDx
Classification: Likely benign. Last evaluated: 2021-06-07. Review status: criteria provided, single submitter. Criteria: GeneDx Variant Classification Process June 2021. Collection method: clinical testing. Allele origin: germline. Affected: yes.
Comment: This variant is associated with the following publications: (PMID: 22703879)

Ambry Genetics
Classification: Likely benign for Hereditary cancer-predisposing syndrome. Last evaluated: 2019-03-18. Review status: criteria provided, single submitter. Criteria: Ambry Variant Classification Scheme 2023. Collection method: clinical testing. Allele origin: germline.

Biesecker Lab/Clinical Genomics Section, National Institutes of Health
Classification: Uncertain significance. Last evaluated: 2012-07-13. Review status: no assertion criteria provided. Collection method: research. Allele origin: germline. Affected: no. Observed: 1 variant allele. Study: ClinSeq. Not counted in ClinVar's aggregate classification.
ClinVar note: Converted during submission from variant of unknown significance to Uncertain significance.

NM_000548.5(TSC2):c.5368G>A (p.Val1790Met)

Gene: TSC2 (TSC complex subunit 2; plus strand). Cytogenetic location: 16p13.3.
Variant type: single nucleotide variant.
Coding change: c.5368G>A on transcript NM_000548.5 (MANE Select); coding-DNA position 5368, G replaced by A.
Protein change: p.Val1790Met; replaces valine 1790 with methionine.
Molecular consequence: missense variant.
Genome position (GRCh38, 1-based): chr16:2,088,554, G>A. VCF-style: chr16-2088554-G-A. GRCh37 (hg19) VCF-style: chr16-2138555-G-A.
Other names: c.5167G>A, p.Val1723Met (NM_001077183.3); c.5299G>A, p.Val1767Met (NM_001114382.3); c.5059G>A, p.Val1687Met (NM_001318827.2); c.5023G>A, p.Val1675Met (NM_001318829.2); c.4636G>A, p.Val1546Met (NM_001318831.2); c.5200G>A, p.Val1734Met (NM_001318832.2); c.5170G>A, p.Val1724Met (NM_001363528.2); c.5236G>A, p.Val1746Met (NM_001370404.1); and 3 more; short protein forms V1790M, V1687M, V1746M, V1767M, V1743M, V1546M, V1747M, V1675M.
Identifiers: ClinVar variation 41747 (VCV000041747.26), dbSNP rs200140994, ClinGen allele CA022424.